The following is an entry in ClinVar:

ClinVar aggregate classification (germline): Benign (1 of 4 stars; one submission).

Conditions:
Amyotrophic lateral sclerosis type 1 (ALS1). Also called: AMYOTROPHIC LATERAL SCLEROSIS 1, FAMILIAL. Identifiers: Orphanet 803, MedGen C1862939, MONDO:0007103, OMIM 105400.

Allele frequency attached by ClinVar (database versions not stated): gnomAD 0.00011; gnomAD exomes 0.00023; TOPMed 0.00032; 1000 Genomes Project 30x 0.00047; 1000 Genomes Project 0.00060.

Submission:

Illumina Laboratory Services, Illumina
Classification: Benign for Amyotrophic lateral sclerosis type 1. Last evaluated: 2018-01-13. Review status: criteria provided, single submitter. Criteria: ICSL Variant Classification Criteria 13 December 2019. Collection method: clinical testing. Allele origin: germline.
Comment: This variant was observed in the ICSL laboratory as part of a predisposition screen in an ostensibly healthy population. It had not been previously curated by ICSL or reported in the Human Gene Mutation Database (HGMD: prior to June 1st, 2018), and was therefore a candidate for classification through an automated scoring system. Utilizing variant allele frequency, disease prevalence and penetrance estimates, and inheritance mode, an automated score was calculated to assess if this variant is too frequent to cause the disease. Based on the score and internal cut-off values, a variant classified as benign is not then subjected to further curation. The score for this variant resulted in a classification of benign for this disease.

NM_000454.5(SOD1):c.*317T>C

Gene: SOD1 (superoxide dismutase 1; plus strand). Cytogenetic location: 21q22.11.
Variant type: single nucleotide variant.
Coding change: c.*317T>C on transcript NM_000454.5 (MANE Select); 317 bases downstream of the stop codon, T replaced by C.
Molecular consequence: 3 prime UTR variant.
Genome position (GRCh38, 1-based): chr21:31,668,895, T>C. VCF-style: chr21-31668895-T-C. GRCh37 (hg19) VCF-style: chr21-33041208-T-C.
Identifiers: ClinVar variation 895068 (VCV000895068.4), dbSNP rs191345676, ClinGen allele CA319335514.